The following is an entry in ClinVar:

NM_000059.4(BRCA2):c.594_598dup (p.Thr200fs)

Gene: BRCA2 (BRCA2 DNA repair associated; plus strand). Cytogenetic location: 13q13.1.
Variant type: Duplication.
Coding change: c.594_598dup on transcript NM_000059.4 (MANE Select); coding-DNA positions 594 to 598, 5 bases duplicated (AGCTA; older notation c.594_598dupAGCTA).
Protein change: p.Thr200fs; shifts the reading frame from threonine 200.
Molecular consequence: frameshift variant.
Genome position (GRCh38, 1-based): chr13:32,326,576-32,326,580, AGCTA duplicated. VCF-style (leftmost placement, unchanged base first): chr13-32326575-T-TAGCTA. GRCh37 (hg19) VCF-style: chr13-32900712-T-TAGCTA.
Other names: 822ins5; short protein forms T200fs.
Identifiers: ClinVar variation 266905 (VCV000266905.7), dbSNP rs886040620, ClinGen allele CA10589036.

ClinVar aggregate classification (germline): Pathogenic. Review status: reviewed by expert panel (3 of 4 stars). 2 submissions from 2 submitters: Pathogenic (1). 1 of the submissions does not count toward it. Last evaluated 2016-10-18.

Conditions:
Breast-ovarian cancer, familial, susceptibility to, 2 (BROVCA2). Also called: BRCA2 Hereditary Breast and Ovarian Cancer. Identifiers: Orphanet 145, MedGen C2675520, MONDO:0012933, OMIM 612555. Disease mechanism: loss of function.

Submissions (2):

Evidence-based Network for the Interpretation of Germline Mutant Alleles (ENIGMA)
Classification: Pathogenic for Breast-ovarian cancer, familial, susceptibility to, 2. Last evaluated: 2016-10-18. Review status: reviewed by expert panel. Criteria: ENIGMA BRCA1/2 Classification Criteria (2015). Collection method: curation. Allele origin: germline.
Comment: Variant allele predicted to encode a truncated non-functional protein.

Consortium of Investigators of Modifiers of BRCA1/2 (CIMBA), c/o University of Cambridge
Classification: Pathogenic for Breast-ovarian cancer, familial, susceptibility to, 2. Last evaluated: 2015-10-02. Review status: criteria provided, single submitter. Criteria: CIMBA Mutation Classification guidelines May 2016. Collection method: clinical testing. Allele origin: germline. Not counted in ClinVar's aggregate classification.